The following is an entry in ClinVar:

ClinVar aggregate classification (germline): Benign/Likely benign. Review status: criteria provided, multiple submitters, no conflicts (2 of 4 stars). 5 submissions from 5 submitters: Benign (3); Likely benign (2). Last evaluated 2026-02-02.

Conditions:
Ehlers-Danlos syndrome, kyphoscoliotic type 1 (EDSKSCL1). Also called: EHLERS-DANLOS SYNDROME, TYPE VIA; Ehlers-Danlos syndrome, hydroxylysine-deficient; EHLERS-DANLOS SYNDROME, OCULAR-SCOLIOTIC TYPE; PLOD1-Related Kyphoscoliotic Ehlers-Danlos Syndrome. Identifiers: Orphanet 1900, MedGen C0268342, MONDO:0016002, OMIM 225400. Disease mechanism: loss of function.

Allele frequency attached by ClinVar (database versions not stated): gnomAD exomes 0.00159; ExAC 0.00188; ESP Exome Variant Server 0.00507; gnomAD 0.00583 and 0.00627; TOPMed 0.00667; 1000 Genomes Project 0.00739; 1000 Genomes Project 30x 0.00781.
gnomAD v4.1: 2,066 of 1,613,942 alleles (0.13%); highest among the groups gnomAD compares: African/African-American, 2%; 20 homozygotes.

Submissions (5):

Labcorp Genetics (formerly Invitae), Labcorp
Classification: Benign for Ehlers-Danlos syndrome, kyphoscoliotic type 1. Last evaluated: 2026-02-02. Review status: criteria provided, single submitter. Criteria: Invitae Variant Classification Sherloc (09022015). Collection method: clinical testing. Allele origin: germline.

ARUP Laboratories, Molecular Genetics and Genomics, ARUP Laboratories
Classification: Benign for Ehlers-Danlos syndrome, kyphoscoliotic type 1. Last evaluated: 2023-11-06. Review status: criteria provided, single submitter. Criteria: ARUP Molecular Germline Variant Investigation Process 2024. Collection method: clinical testing. Allele origin: germline.

Women's Health and Genetics/Laboratory Corporation of America, LabCorp
Classification: Likely benign. Last evaluated: 2023-08-10. Review status: criteria provided, single submitter. Criteria: LabCorp Variant Classification Summary - May 2015. Collection method: clinical testing. Allele origin: germline.

Illumina Laboratory Services, Illumina
Classification: Benign for Ehlers-Danlos syndrome, kyphoscoliotic type 1. Last evaluated: 2018-01-12. Review status: criteria provided, single submitter. Criteria: ICSL Variant Classification Criteria 13 December 2019. Collection method: clinical testing. Allele origin: germline.
Comment: This variant was observed in the ICSL laboratory as part of a predisposition screen in an ostensibly healthy population. It had not been previously curated by ICSL or reported in the Human Gene Mutation Database (HGMD: prior to June 1st, 2018), and was therefore a candidate for classification through an automated scoring system. Utilizing variant allele frequency, disease prevalence and penetrance estimates, and inheritance mode, an automated score was calculated to assess if this variant is too frequent to cause the disease. Based on the score and internal cut-off values, a variant classified as benign is not then subjected to further curation. The score for this variant resulted in a classification of benign for this disease.

GeneDx
Classification: Likely benign. Last evaluated: 2017-12-29. Review status: criteria provided, single submitter. Criteria: GeneDx Variant Classification (06012015). Collection method: clinical testing. Allele origin: germline. Affected: yes.
Comment: This variant is considered likely benign or benign based on one or more of the following criteria: it is a conservative change, it occurs at a poorly conserved position in the protein, it is predicted to be benign by multiple in silico algorithms, and/or has population frequency not consistent with disease.

NM_000302.4(PLOD1):c.975+13C>T

Gene: PLOD1 (procollagen-lysine,2-oxoglutarate 5-dioxygenase 1; plus strand). Cytogenetic location: 1p36.22.
Variant type: single nucleotide variant.
Coding change: c.975+13C>T on transcript NM_000302.4 (MANE Select); 13 bases into the intron after coding-DNA position 975, C replaced by T.
Molecular consequence: intron variant.
Genome position (GRCh38, 1-based): chr1:11,958,660, C>T. VCF-style: chr1-11958660-C-T. GRCh37 (hg19) VCF-style: chr1-12018717-C-T.
Other names: c.1116+13C>T (NM_001316320.2).
Identifiers: ClinVar variation 292290 (VCV000292290.17), dbSNP rs79345327, ClinGen allele CA598208.